The following is an entry in ClinVar:

NM_002691.4(POLD1):c.3172T>C (p.Cys1058Arg)

Gene: POLD1 (DNA polymerase delta 1, catalytic subunit; plus strand). Cytogenetic location: 19q13.33.
Variant type: single nucleotide variant.
Coding change: c.3172T>C on transcript NM_002691.4 (MANE Select); coding-DNA position 3172, T replaced by C.
Protein change: p.Cys1058Arg; replaces cysteine 1058 with arginine.
Molecular consequence: missense variant. On other transcripts: non-coding transcript variant (1).
Genome position (GRCh38, 1-based): chr19:50,417,223, T>C. VCF-style: chr19-50417223-T-C. GRCh37 (hg19) VCF-style: chr19-50920480-T-C.
Other names: c.3172T>C (NM_002691.2); c.3172T>C, p.Cys1058Arg (NM_001256849.1); c.3250T>C, p.Cys1084Arg (NM_001308632.1); short protein forms C1058R, C1084R.
Identifiers: ClinVar variation 2829536 (VCV002829536.4), dbSNP rs2122508122, ClinGen allele CA406987410.

ClinVar aggregate classification (germline): Uncertain significance. Review status: criteria provided, multiple submitters, no conflicts (2 of 4 stars). 2 submissions from 2 submitters: Uncertain significance (2). Last evaluated 2025-04-17.

Conditions:
Hereditary cancer-predisposing syndrome. Also called: Neoplastic Syndromes, Hereditary; Tumor predisposition; Hereditary Cancer Syndrome; Hereditary neoplastic syndrome. Identifiers: Orphanet 140162, MedGen C0027672, MeSH D009386, MONDO:0015356.
POLD1-related polyposis and colorectal cancer syndrome (CRCS10). Also called: Colorectal cancer 10; COLORECTAL CANCER, SUSCEPTIBILITY TO, ON CHROMOSOME 19q; Colorectal cancer, susceptibility to, 10. Identifiers: Orphanet 220460, MedGen C2675481, MONDO:0012953, OMIM 612591.

Submissions (2):

Labcorp Genetics (formerly Invitae), Labcorp
Classification: Uncertain significance for POLD1-related polyposis and colorectal cancer syndrome. Last evaluated: 2025-04-17. Review status: criteria provided, single submitter. Criteria: Invitae Variant Classification Sherloc (09022015). Collection method: clinical testing. Allele origin: germline.
Comment: This sequence change replaces cysteine, which is neutral and slightly polar, with arginine, which is basic and polar, at codon 1058 of the POLD1 protein (p.Cys1058Arg). This variant is not present in population databases (gnomAD no frequency). This variant has not been reported in the literature in individuals affected with POLD1-related conditions. ClinVar contains an entry for this variant (Variation ID: 2829536). Invitae Evidence Modeling of protein sequence and biophysical properties (such as structural, functional, and spatial information, amino acid conservation, physicochemical variation, residue mobility, and thermodynamic stability) indicates that this missense variant is expected to disrupt POLD1 protein function with a positive predictive value of 80%. In summary, the available evidence is currently insufficient to determine the role of this variant in disease. Therefore, it has been classified as a Variant of Uncertain Significance.

Ambry Genetics
Classification: Uncertain significance for Hereditary cancer-predisposing syndrome. Last evaluated: 2023-10-13. Review status: criteria provided, single submitter. Criteria: Ambry Variant Classification Scheme 2023. Collection method: clinical testing. Allele origin: germline.
Comment: The p.C1058R variant (also known as c.3172T>C), located in coding exon 25 of the POLD1 gene, results from a T to C substitution at nucleotide position 3172. The cysteine at codon 1058 is replaced by arginine, an amino acid with highly dissimilar properties. This amino acid position is conserved. In addition, this alteration is predicted to be deleterious by in silico analysis. Since supporting evidence is limited at this time, the clinical significance of this alteration remains unclear.